The following is an entry in ClinVar:

NM_003072.5(SMARCA4):c.1352G>A (p.Arg451His)

Gene: SMARCA4 (SWI/SNF related BAF chromatin remodeling complex subunit ATPase 4; plus strand). Cytogenetic location: 19p13.2.
Variant type: single nucleotide variant.
Coding change: c.1352G>A on transcript NM_003072.5 (MANE Select); coding-DNA position 1352, G replaced by A.
Protein change: p.Arg451His; replaces arginine 451 with histidine.
Molecular consequence: missense variant. On other transcripts: non-coding transcript variant (1).
Genome position (GRCh38, 1-based): chr19:10,991,256, G>A. VCF-style: chr19-10991256-G-A. GRCh37 (hg19) VCF-style: chr19-11101932-G-A.
Other names: c.1352G>A, p.Arg451His (NM_001128847.4, NM_001128848.2, NM_001128849.3 and 6 more transcripts); short protein forms R451H.
Identifiers: ClinVar variation 1770632 (VCV001770632.7), dbSNP rs2086534991, ClinGen allele CA404060887.
Genomic context (GRCh38, chr19:10,991,256, plus strand): 5'-AGACAGCCCTCAATGCTAAGGCCTACAAGCGCAGCAAGCGCCAGTCCCTGCGCGAGGCCC[G>A]CATCACTGAGAAGCTGGAGAAGCAGCAGAAGATCGAGCAGGAGCGCAAGCGCCGGCAGAA-3'
Protein context (NP_003063.2, residues 441-461): RSKRQSLREA[Arg451His]ITEKLEKQQK

ClinVar aggregate classification (germline): Uncertain significance. Review status: criteria provided, multiple submitters, no conflicts (2 of 4 stars). 2 submissions from 2 submitters: Uncertain significance (2). Last evaluated 2022-02-04.

Conditions:
Hereditary cancer-predisposing syndrome. Also called: Hereditary Cancer Syndrome; Hereditary neoplastic syndrome; Neoplastic Syndromes, Hereditary; Tumor predisposition. Identifiers: Orphanet 140162, MedGen C0027672, MeSH D009386, MONDO:0015356.
Rhabdoid tumor predisposition syndrome 2 (RTPS2). Identifiers: Orphanet 231108, Orphanet 69077, MedGen C2750074, MONDO:0013224, OMIM 613325.

Submissions (2):

Labcorp Genetics (formerly Invitae), Labcorp
Classification: Uncertain significance for Rhabdoid tumor predisposition syndrome 2. Last evaluated: 2022-02-04. Review status: criteria provided, single submitter. Criteria: Invitae Variant Classification Sherloc (09022015). Collection method: clinical testing. Allele origin: germline.
Comment: In summary, the available evidence is currently insufficient to determine the role of this variant in disease. Therefore, it has been classified as a Variant of Uncertain Significance. Algorithms developed to predict the effect of missense changes on protein structure and function are either unavailable or do not agree on the potential impact of this missense change (SIFT: "Deleterious"; PolyPhen-2: "Probably Damaging"; Align-GVGD: "Class C0"). This variant has not been reported in the literature in individuals affected with SMARCA4-related conditions. This variant is not present in population databases (gnomAD no frequency). This sequence change replaces arginine, which is basic and polar, with histidine, which is basic and polar, at codon 451 of the SMARCA4 protein (p.Arg451His).

Ambry Genetics
Classification: Uncertain significance for Hereditary cancer-predisposing syndrome. Last evaluated: 2020-03-30. Review status: criteria provided, single submitter. Criteria: Ambry Variant Classification Scheme 2023. Collection method: clinical testing. Allele origin: germline.
Comment: The p.R451H variant (also known as c.1352G>A), located in coding exon 7 of the SMARCA4 gene, results from a G to A substitution at nucleotide position 1352. The arginine at codon 451 is replaced by histidine, an amino acid with highly similar properties. This amino acid position is highly conserved in available vertebrate species. In addition, the in silico prediction for this alteration is inconclusive. Since supporting evidence is limited at this time, the clinical significance of this alteration remains unclear.